The following is an entry in ClinVar:

ClinVar aggregate classification (germline): Pathogenic (1 of 4 stars; one submission).

Submission:

GeneDx
Classification: Pathogenic. Last evaluated: 2024-01-22. Review status: criteria provided, single submitter. Criteria: GeneDx Variant Classification Process June 2021. Collection method: clinical testing. Allele origin: germline. Affected: yes.
Comment: In silico analysis supports that this missense variant has a deleterious effect on protein structure/function; Not observed at significant frequency in large population cohorts (gnomAD); This variant is associated with the following publications: (PMID: 25447930, 26410222, 27577505, 24431296)

NM_152296.5(ATP1A3):c.2780G>T (p.Cys927Phe)

Gene: ATP1A3 (ATPase Na+/K+ transporting subunit alpha 3; minus strand). Cytogenetic location: 19q13.2.
Variant type: single nucleotide variant.
Coding change: c.2780G>T on transcript NM_152296.5 (MANE Select); coding-DNA position 2780, G replaced by T.
Protein change: p.Cys927Phe; replaces cysteine 927 with phenylalanine.
Molecular consequence: missense variant.
Genome position (GRCh38, 1-based): chr19:41,968,824, C>A on the plus strand (G>T on the coding strand, the complement: ATP1A3 is on the minus strand). VCF-style: chr19-41968824-C-A. GRCh37 (hg19) VCF-style: chr19-42472976-C-A.
Other names: c.2813G>T, p.Cys938Phe (NM_001256213.2); c.2819G>T, p.Cys940Phe (NM_001256214.2); c.2780G>T (NM_152296.4); short protein forms C927F, C940F, C938F.
Identifiers: ClinVar variation 3340419 (VCV003340419.1), dbSNP rs606231444.
Genomic context (GRCh38, chr19:41,968,824, plus strand): 5'-CCATGTGCCCCCGGCCCTCACTTCATGCCCTGCTGGAAGACCGAGTTCCTCCGGGTCTTG[C>A]AGATGATCAGATCGGCCCACTGGACGACAACGATGCTCACAAAGAAGGCCGTGTGGCAGG-3'
Protein context (NP_689509.1, residues 917-937): VVVQWADLII[Cys927Phe]KTRRNSVFQQ